The following is an entry in ClinVar:

ClinVar aggregate classification (germline): Uncertain significance (1 of 4 stars; one submission).

Submission:

Labcorp Genetics (formerly Invitae), Labcorp
Classification: Uncertain significance. Last evaluated: 2025-12-15. Review status: criteria provided, single submitter. Criteria: Invitae Variant Classification Sherloc (09022015). Collection method: clinical testing. Allele origin: germline.
Comment: This sequence change replaces threonine, which is neutral and polar, with lysine, which is basic and polar, at codon 38 of the ALAD protein (p.Thr38Lys). This variant is not present in population databases (gnomAD no frequency). This variant has not been reported in the literature in individuals affected with ALAD-related conditions. ClinVar contains an entry for this variant (Variation ID: 2008261). An algorithm developed to predict the effect of missense changes on protein structure and function (PolyPhen-2) suggests that this variant is likely to be disruptive. In summary, the available evidence is currently insufficient to determine the role of this variant in disease. Therefore, it has been classified as a Variant of Uncertain Significance.

NM_000031.6(ALAD):c.113C>A (p.Thr38Lys)

Gene: ALAD (aminolevulinate dehydratase; minus strand). Cytogenetic location: 9q32.
Variant type: single nucleotide variant.
Coding change: c.113C>A on transcript NM_000031.6 (MANE Select); coding-DNA position 113, C replaced by A.
Protein change: p.Thr38Lys; replaces threonine 38 with lysine.
Molecular consequence: missense variant.
Genome position (GRCh38, 1-based): chr9:113,393,447, G>T on the plus strand (C>A on the coding strand, the complement: ALAD is on the minus strand). VCF-style: chr9-113393447-G-T. GRCh37 (hg19) VCF-style: chr9-116155727-G-T.
Other names: c.34C>A, p.Arg12Ser (NM_001003945.3); c.140C>A, p.Thr47Lys (NM_001317745.2); short protein forms R12S, T38K, T47K.
Identifiers: ClinVar variation 2008261 (VCV002008261.4), dbSNP rs371983646, ClinGen allele CA374565597.